The following is an entry in ClinVar:

NM_133379.5(TTN):c.16142G>A (p.Arg5381His)

Gene: TTN (titin; minus strand). Cytogenetic location: 2q31.2.
Variant type: single nucleotide variant.
Coding change: c.16142G>A on transcript NM_133379.5; coding-DNA position 16142, G replaced by A.
Protein change: p.Arg5381His; replaces arginine 5381 with histidine.
Molecular consequence: missense variant. On other transcripts: intron variant (6).
Genome position (GRCh38, 1-based): chr2:178,746,258, C>T on the plus strand (G>A on the coding strand, the complement: TTN is on the minus strand). VCF-style: chr2-178746258-C-T. GRCh37 (hg19) VCF-style: chr2-179610985-C-T.
Other names: c.16142G>A (NM_133379.4); c.10223-4337G>A (NM_003319.4); c.10799-4337G>A (NM_133437.4); c.10598-4337G>A (NM_133432.3); c.10360+6866G>A (NM_133378.4); c.10361-4337G>A (NM_001256850.1); c.11312-4337G>A (NM_001267550.2); short protein forms R5381H.
Identifiers: ClinVar variation 596984 (VCV000596984.8), dbSNP rs369189673, ClinGen allele CA2002987.

ClinVar aggregate classification (germline): Likely benign. Review status: criteria provided, multiple submitters, no conflicts (2 of 4 stars). 3 submissions from 3 submitters: Likely benign (2). 1 of the submissions does not count toward it. Last evaluated 2024-11-21.

Conditions:
TTN-related disorder. Also called: TTN-related condition; TTN-related disease; TTN-related disorders.

Allele frequency attached by ClinVar (database versions not stated): TOPMed 0.00003; 1000 Genomes Project 30x 0.00031; 1000 Genomes Project 0.00040.
gnomAD v4.1: 261 of 1,612,204 alleles (0.016%); highest among the groups gnomAD compares: South Asian, 0.24%; 3 homozygotes.

Submissions (3):

Blueprint Genetics
Classification: Likely benign. Last evaluated: 2024-11-21. Review status: criteria provided, single submitter. Criteria: ACMG Guidelines, 2015. Collection method: clinical testing. Allele origin: germline.

Eurofins Ntd Llc (ga)
Classification: Likely benign. Last evaluated: 2018-04-27. Review status: criteria provided, single submitter. Criteria: EGL ClinVar v180209 classification definitions. Collection method: clinical testing. Allele origin: germline. Observed: 1 variant allele, 1 heterozygote.

PreventionGenetics, part of Exact Sciences
Classification: Likely benign for TTN-related condition. Last evaluated: 2020-07-13. Review status: no assertion criteria provided. Collection method: clinical testing. Allele origin: germline. Not counted in ClinVar's aggregate classification.
Comment: This variant is classified as likely benign based on ACMG/AMP sequence variant interpretation guidelines (Richards et al. 2015 PMID: 25741868, with internal and published modifications).